The following is an entry in ClinVar:

NM_000143.4(FH):c.675T>A (p.Phe225Leu)

Gene: FH (fumarate hydratase; minus strand). Cytogenetic location: 1q43.
Variant type: single nucleotide variant.
Coding change: c.675T>A on transcript NM_000143.4 (MANE Select); coding-DNA position 675, T replaced by A.
Protein change: p.Phe225Leu; replaces phenylalanine 225 with leucine.
Molecular consequence: missense variant.
Genome position (GRCh38, 1-based): chr1:241,508,666, A>T on the plus strand (T>A on the coding strand, the complement: FH is on the minus strand). VCF-style: chr1-241508666-A-T. GRCh37 (hg19) VCF-style: chr1-241671966-A-T.
Other names: c.675T>A (NM_000143.3); short protein forms F225L.
Identifiers: ClinVar variation 1514132 (VCV001514132.10), dbSNP rs1270246282, ClinGen allele CA345439265.

ClinVar aggregate classification (germline): Uncertain significance. Review status: criteria provided, multiple submitters, no conflicts (2 of 4 stars). 2 submissions from 2 submitters: Uncertain significance (2). Last evaluated 2026-06-16.

Conditions:
Hereditary cancer-predisposing syndrome. Also called: Hereditary Cancer Syndrome; Tumor predisposition; Neoplastic Syndromes, Hereditary; Hereditary neoplastic syndrome. Identifiers: Orphanet 140162, MedGen C0027672, MeSH D009386, MONDO:0015356.

Submissions (2):

Ambry Genetics
Classification: Uncertain significance for Hereditary cancer-predisposing syndrome. Last evaluated: 2026-06-16. Review status: criteria provided, single submitter. Criteria: Ambry Variant Classification Scheme 2023. Collection method: clinical testing. Allele origin: germline.
Comment: The p.F225L variant (also known as c.675T>A), located in coding exon 5 of the FH gene, results from a T to A substitution at nucleotide position 675. The phenylalanine at codon 225 is replaced by leucine, an amino acid with highly similar properties. This amino acid position is highly conserved in available vertebrate species. In addition, this alteration is predicted to be deleterious by in silico analysis. Based on the available evidence, the clinical significance of this variant remains unclear.

Labcorp Genetics (formerly Invitae), Labcorp
Classification: Uncertain significance. Last evaluated: 2025-04-21. Review status: criteria provided, single submitter. Criteria: Invitae Variant Classification Sherloc (09022015). Collection method: clinical testing. Allele origin: germline.
Comment: This sequence change replaces phenylalanine, which is neutral and non-polar, with leucine, which is neutral and non-polar, at codon 225 of the FH protein (p.Phe225Leu). This variant is not present in population databases (gnomAD no frequency). This variant has not been reported in the literature in individuals affected with FH-related conditions. ClinVar contains an entry for this variant (Variation ID: 1514132). Invitae Evidence Modeling of protein sequence and biophysical properties (such as structural, functional, and spatial information, amino acid conservation, physicochemical variation, residue mobility, and thermodynamic stability) indicates that this missense variant is expected to disrupt FH protein function with a positive predictive value of 95%. In summary, the available evidence is currently insufficient to determine the role of this variant in disease. Therefore, it has been classified as a Variant of Uncertain Significance.